The following is an entry in ClinVar:

ClinVar aggregate classification (germline): Pathogenic (1 of 4 stars; one submission).

Submission:

Labcorp Genetics (formerly Invitae), Labcorp
Classification: Pathogenic. Last evaluated: 2025-01-23. Review status: criteria provided, single submitter. Criteria: Invitae Variant Classification Sherloc (09022015). Collection method: clinical testing. Allele origin: germline.
Comment: This sequence change creates a premature translational stop signal (p.Asn856Thrfs*4) in the NOTCH3 gene. It is expected to result in an absent or disrupted protein product. Loss-of-function variants in NOTCH3 are known to be pathogenic (PMID: 25870235, 32980981, 38824264). This variant is not present in population databases (gnomAD no frequency). This variant has not been reported in the literature in individuals affected with NOTCH3-related conditions. For these reasons, this variant has been classified as Pathogenic.

Literature cited by the submitters: PubMed 25870235; PubMed 32980981; PubMed 38824264.

NM_000435.3(NOTCH3):c.2565del (p.Asn856fs)

Gene: NOTCH3 (notch receptor 3; minus strand). Cytogenetic location: 19p13.12.
Variant type: Deletion.
Coding change: c.2565del on transcript NM_000435.3 (MANE Select); coding-DNA position 2565, one base deleted (C; older notation c.2565delC).
Protein change: p.Asn856fs; shifts the reading frame from asparagine 856.
Molecular consequence: frameshift variant.
Genome position (GRCh38, 1-based): chr19:15,184,296, G deleted on the plus strand (C on the coding strand, the reverse complement: NOTCH3 is on the minus strand); the first of 4 consecutive G bases (chr19:15,184,296-15,184,299); deleting any one gives the same sequence. VCF-style (leftmost placement, unchanged base first): chr19-15184295-TG-T. GRCh37 (hg19) VCF-style: chr19-15295106-TG-T.
Other names: short protein forms N856fs.
Identifiers: ClinVar variation 3603903 (VCV003603903.2).
Genomic context (GRCh38, chr19:15,184,295, plus strand): 5'-GTTCAAGCTTAATGACTGTGTTCCCCAGAGCAGCACCCCCAAGAGCTCCCCTGCACTCAC[TG>T]GGGTCACAGTCATTGATGTCCTGATCGCAGGAAGGGCCAGTGTACCCTCCATGGCAGGTG-3'